The following is an entry in ClinVar:

NM_001458.5(FLNC):c.2780C>T (p.Ser927Phe)

Gene: FLNC (filamin C; plus strand). Cytogenetic location: 7q32.1.
Variant type: single nucleotide variant.
Coding change: c.2780C>T on transcript NM_001458.5 (MANE Select); coding-DNA position 2780, C replaced by T.
Protein change: p.Ser927Phe; replaces serine 927 with phenylalanine.
Molecular consequence: missense variant.
Genome position (GRCh38, 1-based): chr7:128,843,546, C>T. VCF-style: chr7-128843546-C-T. GRCh37 (hg19) VCF-style: chr7-128483600-C-T.
Other names: c.2780C>T, p.Ser927Phe (NM_001127487.2); short protein forms S927F.
Identifiers: ClinVar variation 665064 (VCV000665064.12), dbSNP rs1585158690, ClinGen allele CA369193257.

ClinVar aggregate classification (germline): Uncertain significance. Review status: criteria provided, multiple submitters, no conflicts (2 of 4 stars). 3 submissions from 3 submitters: Uncertain significance (3). Last evaluated 2024-02-07.

Conditions:
Cardiovascular phenotype. Identifiers: MedGen CN230736.
Myofibrillar myopathy 5. Also called: FILAMINOPATHY, AUTOSOMAL DOMINANT; Filaminopathy (type). Identifiers: Orphanet 171445, MedGen C1836050, MONDO:0012289, OMIM 609524.
Hypertrophic cardiomyopathy 26. Also called: Cardiomyopathy, familial hypertrophic, 26. Identifiers: Orphanet 75249, MedGen C4310749, MONDO:0014883, OMIM 617047.
Distal myopathy with posterior leg and anterior hand involvement. Also called: WILLIAMS DISTAL MYOPATHY. Identifiers: Orphanet 63273, MedGen C3279722, MONDO:0013550, OMIM 614065.

Allele frequency attached by ClinVar (database versions not stated): gnomAD 0.00001.

Submissions (3):

Labcorp Genetics (formerly Invitae), Labcorp
Classification: Uncertain significance for Distal myopathy with posterior leg and anterior hand involvement; Myofibrillar myopathy 5; Hypertrophic cardiomyopathy 26. Last evaluated: 2024-02-07. Review status: criteria provided, single submitter. Criteria: Invitae Variant Classification Sherloc (09022015). Collection method: clinical testing. Allele origin: germline.
Comment: This sequence change replaces serine, which is neutral and polar, with phenylalanine, which is neutral and non-polar, at codon 927 of the FLNC protein (p.Ser927Phe). This variant is not present in population databases (gnomAD no frequency). This variant has not been reported in the literature in individuals affected with FLNC-related conditions. ClinVar contains an entry for this variant (Variation ID: 665064). Advanced modeling of protein sequence and biophysical properties (such as structural, functional, and spatial information, amino acid conservation, physicochemical variation, residue mobility, and thermodynamic stability) has been performed at Invitae for this missense variant, however the output from this modeling did not meet the statistical confidence thresholds required to predict the impact of this variant on FLNC protein function. In summary, the available evidence is currently insufficient to determine the role of this variant in disease. Therefore, it has been classified as a Variant of Uncertain Significance.

Blueprint Genetics
Classification: Uncertain significance. Last evaluated: 2021-05-06. Review status: criteria provided, single submitter. Criteria: ACMG Guidelines, 2015. Collection method: clinical testing. Allele origin: germline.

Ambry Genetics
Classification: Uncertain significance for Cardiovascular phenotype. Last evaluated: 2021-01-06. Review status: criteria provided, single submitter. Criteria: Ambry Variant Classification Scheme 2023. Collection method: clinical testing. Allele origin: germline.
Comment: The p.S927F variant (also known as c.2780C>T), located in coding exon 18 of the FLNC gene, results from a C to T substitution at nucleotide position 2780. The serine at codon 927 is replaced by phenylalanine, an amino acid with highly dissimilar properties. This amino acid position is highly conserved in available vertebrate species. In addition, this alteration is predicted to be deleterious by in silico analysis. Since supporting evidence is limited at this time, the clinical significance of this alteration remains unclear.